The following is an entry in ClinVar:

NM_002439.5(MSH3):c.358+2T>G

Gene: MSH3 (mutS homolog 3; plus strand). Cytogenetic location: 5q14.1.
Variant type: single nucleotide variant.
Coding change: c.358+2T>G on transcript NM_002439.5 (MANE Select); the canonical splice donor site of the intron after coding-DNA position 358, T replaced by G.
Molecular consequence: splice donor variant.
Genome position (GRCh38, 1-based): chr5:80,656,533, T>G. VCF-style: chr5-80656533-T-G. GRCh37 (hg19) VCF-style: chr5-79952352-T-G.
Identifiers: ClinVar variation 658860 (VCV000658860.21), dbSNP rs1450314617, ClinGen allele CA360266643.
Genomic context (GRCh38, chr5:80,656,533, plus strand): 5'-AGTAAAGAAAGTCCAACAAAAGGAAGGAGGAAGTGATCTGGGAATGTCTGGCAACTCTGG[T>G]GAGTTGTGGGGGATTCTTTTTTCTCCTCAGTCATGGCTCTGGTATTCTGGAATTCTCCAG-3'

ClinVar aggregate classification (germline): Likely pathogenic. Review status: criteria provided, multiple submitters, no conflicts (2 of 4 stars). 8 submissions from 8 submitters: Likely pathogenic (8). Last evaluated 2026-01-21.

Conditions:
Hereditary cancer-predisposing syndrome. Also called: Hereditary neoplastic syndrome; Neoplastic Syndromes, Hereditary; Hereditary Cancer Syndrome; Tumor predisposition. Identifiers: Orphanet 140162, MedGen C0027672, MeSH D009386, MONDO:0015356.
Endometrial carcinoma. Also called: Endometrial carcinoma, somatic. Identifiers: MedGen C0476089, MONDO:0002447, OMIM 608089, HP:0012114.
Familial adenomatous polyposis 4 (FAP4). Also called: MSH3-related attenuated familial adenomatous polyposis. Identifiers: Orphanet 480536, MedGen C4310719, MONDO:0044300, OMIM 617100.

Allele frequency attached by ClinVar (database versions not stated): gnomAD exomes 0.00001; TOPMed 0.00001.
gnomAD v4.1: 16 of 1,613,954 alleles (0.00099%); highest among the groups gnomAD compares: Non-Finnish European, 0.000085%; no homozygotes.

Submissions (8):

Labcorp Genetics (formerly Invitae), Labcorp
Classification: Likely pathogenic. Last evaluated: 2026-01-21. Review status: criteria provided, single submitter. Criteria: Invitae Variant Classification Sherloc (09022015). Collection method: clinical testing. Allele origin: germline.
Comment: This sequence change affects a donor splice site in intron 2 of the MSH3 gene. It is expected to disrupt RNA splicing. Variants that disrupt the donor or acceptor splice site typically lead to a loss of protein function (PMID: 16199547), and loss-of-function variants in MSH3 are known to be pathogenic (PMID: 27476653, 37402566). This variant is present in population databases (no rsID available, gnomAD 0.03%). This variant has not been reported in the literature in individuals affected with MSH3-related conditions. ClinVar contains an entry for this variant (Variation ID: 658860). Studies have shown that disruption of this splice site is associated with inconclusive levels of altered splicing (internal data). In summary, the currently available evidence indicates that the variant is pathogenic, but additional data are needed to prove that conclusively. Therefore, this variant has been classified as Likely Pathogenic.

Ambry Genetics
Classification: Likely pathogenic for Hereditary cancer-predisposing syndrome. Last evaluated: 2025-06-14. Review status: criteria provided, single submitter. Criteria: Ambry Variant Classification Scheme 2023. Collection method: clinical testing. Allele origin: germline.
Comment: The c.358+2T>G intronic variant results from a T to G substitution two nucleotides after coding exon 2 in the MSH3 gene. This nucleotide position is highly conserved in available vertebrate species. In silico splice site analysis predicts that this alteration will weaken the native splice donor site; however, direct evidence is insufficient at this time (Ambry internal data). Alterations that disrupt the canonical splice site are expected to cause aberrant splicing, resulting in an abnormal protein or a transcript that is subject to nonsense-mediated mRNA decay. As such, this alteration is classified as likely pathogenic.

GeneDx
Classification: Likely pathogenic. Last evaluated: 2024-06-17. Review status: criteria provided, single submitter. Criteria: GeneDx Variant Classification Process June 2021. Collection method: clinical testing. Allele origin: germline. Affected: yes.
Comment: Canonical splice site variant predicted to result in a null allele in a gene for which loss of function is a known mechanism of disease; Has not been previously published as pathogenic or benign to our knowledge

Baylor Genetics
Classification: Likely pathogenic for Endometrial carcinoma. Last evaluated: 2024-03-22. Review status: criteria provided, single submitter. Criteria: ACMG Guidelines, 2015. Collection method: clinical testing. Allele origin: unknown.

Fulgent Genetics
Classification: Likely pathogenic for Endometrial carcinoma; Familial adenomatous polyposis 4. Last evaluated: 2024-03-13. Review status: criteria provided, single submitter. Criteria: ACMG Guidelines, 2015. Collection method: clinical testing. Allele origin: germline.

Myriad Genetics, Inc.
Classification: Likely pathogenic for Familial adenomatous polyposis 4. Last evaluated: 2023-08-29. Review status: criteria provided, single submitter. Criteria: Myriad Autosomal Dominant, Autosomal Recessive and X-Linked Classification Criteria (2023). Collection method: clinical testing. Allele origin: unknown.
Comment: This variant is considered likely pathogenic. This variant occurs within a consensus splice junction and is predicted to result in abnormal mRNA splicing of either an out-of-frame exon or an in-frame exon necessary for protein stability and/or normal function.

Department of Pathology and Laboratory Medicine, Sinai Health System
Classification: Likely pathogenic for Familial adenomatous polyposis 4. Last evaluated: 2023-02-03. Review status: criteria provided, single submitter. Criteria: ACMG Guidelines, 2015. Collection method: research. Allele origin: germline.

Sema4
Classification: Likely pathogenic for Hereditary cancer-predisposing syndrome. Last evaluated: 2021-09-28. Review status: criteria provided, single submitter. Criteria: Sema4 Curation Guidelines. Collection method: curation. Allele origin: germline.
Comment: To the best of our knowledge, the MSH3 c.358+2T>G variant has not been reported in individuals with MSH3-related disease. This variant affects a nucleotide within a consensus splice site of an intron and may cause exon skipping, intron retention or use of a cryptic splice site. Consensus splice site variants often lead to loss of gene function, and loss of function variants in MSH3 are known to be pathogenic (PMID: 27476653). This variant was observed in 3/10078 chromosomes in the Ashkenazi Jewish population according to the Genome Aggregation Database (PMID: 32461654), and has been reported in ClinVar (Variation ID: 658860). Based on the current evidence available, this variant is interpreted as likely pathogenic.

Literature cited by the submitters: PubMed 16199547 (cited by Labcorp Genetics (formerly Invitae), Labcorp); PubMed 27476653 (cited by Labcorp Genetics (formerly Invitae), Labcorp and Sema4); PubMed 37402566 (cited by Labcorp Genetics (formerly Invitae), Labcorp).